The following is an entry in ClinVar:

NM_014889.4(PITRM1):c.2119G>A (p.Ala707Thr)

Genes: PITRM1 (pitrilysin metallopeptidase 1; minus strand), PITRM1-AS1 (PITRM1 antisense RNA 1; plus strand). Cytogenetic location: 10p15.2.
Variant type: single nucleotide variant.
Coding change: c.2119G>A on transcript NM_014889.4 (MANE Select); coding-DNA position 2119, G replaced by A.
Protein change: p.Ala707Thr; replaces alanine 707 with threonine.
Molecular consequence: missense variant. On other transcripts: non-coding transcript variant (5).
Genome position (GRCh38, 1-based): chr10:3,147,688, C>T on the plus strand (G>A on the coding strand, the complement: PITRM1 is on the minus strand). VCF-style: chr10-3147688-C-T. GRCh37 (hg19) VCF-style: chr10-3189880-C-T.
Other names: c.2122G>A, p.Ala708Thr (NM_001242307.2); c.1825G>A, p.Ala609Thr (NM_001242309.1); c.1921G>A, p.Ala641Thr (NM_001347725.2); c.1306G>A, p.Ala436Thr (NM_001347726.2); c.1504G>A, p.Ala502Thr (NM_001347727.2); c.814G>A, p.Ala272Thr (NM_001347728.2); c.2095G>A, p.Ala699Thr (NM_001347729.1); c.1897G>A, p.Ala633Thr (NM_001347730.1); short protein forms A609T, A272T, A707T, A708T, A436T, A502T, A641T, A699T.
Identifiers: ClinVar variation 1959853 (VCV001959853.5), dbSNP rs906337951, ClinGen allele CA201349167.

ClinVar aggregate classification (germline): Uncertain significance (1 of 4 stars; one submission).

Allele frequency attached by ClinVar (database versions not stated): gnomAD exomes 0.00001.
gnomAD v4.1: 16 of 1,612,708 alleles (0.00099%); highest among the groups gnomAD compares: African/African-American, 0.0067%; no homozygotes.

Submission:

Labcorp Genetics (formerly Invitae), Labcorp
Classification: Uncertain significance. Last evaluated: 2022-02-21. Review status: criteria provided, single submitter. Criteria: Invitae Variant Classification Sherloc (09022015). Collection method: clinical testing. Allele origin: germline.
Comment: In summary, the available evidence is currently insufficient to determine the role of this variant in disease. Therefore, it has been classified as a Variant of Uncertain Significance. Algorithms developed to predict the effect of missense changes on protein structure and function are either unavailable or do not agree on the potential impact of this missense change (SIFT: "Tolerated"; PolyPhen-2: "Possibly Damaging"; Align-GVGD: "Class C0"). This variant has not been reported in the literature in individuals affected with PITRM1-related conditions. This variant is present in population databases (no rsID available, gnomAD 0.003%). This sequence change replaces alanine, which is neutral and non-polar, with threonine, which is neutral and polar, at codon 609 of the PITRM1 protein (p.Ala609Thr).